The following is an entry in ClinVar:

NM_001379500.1(COL18A1):c.14_28dup (p.6_9PW[2]RPWPW[1])

Genes: BNAT1 (breast cancer associated ESR1 regulating natural antisense transcript 1; minus strand), COL18A1 (collagen type XVIII alpha 1 chain; plus strand). Cytogenetic location: 21q22.3.
Variant type: Duplication.
Coding change: c.14_28dup on transcript NM_001379500.1 (MANE Select); coding-DNA positions 14 to 28, 15 bases duplicated (GCCCCTGGCCATGGC).
Protein change: p.6_9PW[2]RPWPW[1].
Molecular consequence: inframe insertion.
Genome position (GRCh38, 1-based): chr21:45,405,381-45,405,395, GCCCCTGGCCATGGC duplicated. VCF-style (leftmost placement, unchanged base first): chr21-45405380-T-TGCCCCTGGCCATGGC. GRCh37 (hg19) VCF-style: chr21-46825295-T-TGCCCCTGGCCATGGC.
Identifiers: ClinVar variation 1364829 (VCV001364829.4), dbSNP rs1350618624, ClinGen allele CA638233973.

ClinVar aggregate classification (germline): Uncertain significance. Review status: criteria provided, multiple submitters, no conflicts (2 of 4 stars). 2 submissions from 2 submitters: Uncertain significance (2). Last evaluated 2022-07-12.

Allele frequency attached by ClinVar (database versions not stated): gnomAD 0.00001; gnomAD exomes 0.00003; TOPMed 0.00003.

Submissions (2):

Labcorp Genetics (formerly Invitae), Labcorp
Classification: Uncertain significance. Last evaluated: 2022-07-12. Review status: criteria provided, single submitter. Criteria: Invitae Variant Classification Sherloc (09022015). Collection method: clinical testing. Allele origin: germline.
Comment: This variant, c.14_28dup, results in the insertion of 5 amino acid(s) of the COL18A1 protein (p.Trp9_Pro10insArgProTrpProTrp), but otherwise preserves the integrity of the reading frame. This variant is not present in population databases (gnomAD no frequency). This variant has not been reported in the literature in individuals affected with COL18A1-related conditions. ClinVar contains an entry for this variant (Variation ID: 1364829). Experimental studies and prediction algorithms are not available or were not evaluated, and the functional significance of this variant is currently unknown. In summary, the available evidence is currently insufficient to determine the role of this variant in disease. Therefore, it has been classified as a Variant of Uncertain Significance.

Blueprint Genetics
Classification: Uncertain significance. Last evaluated: 2021-07-06. Review status: criteria provided, single submitter. Criteria: ACMG Guidelines, 2015. Collection method: clinical testing. Allele origin: germline.